The following is an entry in ClinVar:

ClinVar aggregate classification (germline): Benign (0 of 4 stars; one submission).

Conditions:
CELF4-related disorder. Also called: CELF4-related condition.

Allele frequency attached by ClinVar (database versions not stated): 1000 Genomes Project 30x 0.21174; 1000 Genomes Project 0.21546; TOPMed 0.27374; gnomAD 0.28511; ExAC 0.29747; ESP Exome Variant Server 0.30524; gnomAD exomes 0.33426.
gnomAD v4.1: 531,102 of 1,612,020 alleles (33%); highest among the groups gnomAD compares: Non-Finnish European, 36%; 91,428 homozygotes.

Submission:

PreventionGenetics, part of Exact Sciences
Classification: Benign for CELF4-related condition. Last evaluated: 2019-10-18. Review status: no assertion criteria provided. Collection method: clinical testing. Allele origin: germline.
Comment: This variant is classified as benign based on ACMG/AMP sequence variant interpretation guidelines (Richards et al. 2015 PMID: 25741868, with internal and published modifications).

NM_020180.4(CELF4):c.984C>T (p.Ala328=)

Gene: CELF4 (CUGBP Elav-like family member 4; minus strand). Cytogenetic location: 18q12.2.
Variant type: single nucleotide variant.
Coding change: c.984C>T on transcript NM_020180.4 (MANE Select); coding-DNA position 984, C replaced by T.
Protein change: p.Ala328=; no amino-acid change (alanine 328 retained).
Molecular consequence: synonymous variant. On other transcripts: non-coding transcript variant (11).
Genome position (GRCh38, 1-based): chr18:37,270,883, G>A on the plus strand (C>T on the coding strand, the complement: CELF4 is on the minus strand). VCF-style: chr18-37270883-G-A. GRCh37 (hg19) VCF-style: chr18-34850846-G-A.
Other names: c.981C>T, p.Ala327= (NM_001025087.2, NM_001330603.2, NM_001353696.2 and 12 more transcripts); c.978C>T, p.Ala326= (NM_001025088.2, NM_001353702.2, NM_001353712.2 and 2 more transcripts); c.954C>T, p.Ala318= (NM_001025089.2, NM_001353700.2, NM_001353703.2 and 6 more transcripts); c.951C>T, p.Ala317= (NM_001353695.2, NM_001353697.2, NM_001353699.2 and 14 more transcripts); c.948C>T, p.Ala316= (NM_001353705.2, NM_001353706.2, NM_001353711.2 and 5 more transcripts); c.984C>T, p.Ala328= (NM_001353708.2, NM_001353724.2, NM_001353731.2 and 6 more transcripts); c.612C>T, p.Ala204= (NM_001353756.2, NM_001353761.2); c.585C>T, p.Ala195= (NM_001353757.2, NM_001353760.2); and 1 more.
Identifiers: ClinVar variation 3060581 (VCV003060581.2), dbSNP rs1443638, ClinGen allele CA8943520.
Genomic context (GRCh38, chr18:37,270,883, plus strand): 5'-GGCCTGTGGGGGGAGGCCGGTGAAGCCATTCACCCCAATGGGGGATGGGATGCTAGGCAC[G>A]GCTGGTGCAGTGATGCCCGGAGGGGTGCTGCCACCTGGTTCCAGGCATACAGAAGGGTGG-3'
Protein context (NP_064565.1, residues 318-338): GSTPPGITAP[Ala328=]VPSIPSPIGV